The following is an entry in ClinVar:

ClinVar aggregate classification (germline): Benign/Likely benign. Review status: criteria provided, multiple submitters, no conflicts (2 of 4 stars). 7 submissions from 7 submitters: Benign (1); Likely benign (5). 1 of the submissions does not count toward it. Last evaluated 2025-12-16.

Conditions:
Cardiac arrhythmia. Also called: Cardiac rhythm disease; Arrhythmia. Identifiers: MedGen C0003811, MONDO:0007263, HP:0011675.
Cardiovascular phenotype. Identifiers: MedGen CN230736.
Long QT syndrome (LQTS). Identifiers: MedGen C0023976, MeSH D008133, MONDO:0002442. Disease mechanism: loss of function. Inheritance: Various modes of inheritance.

Allele frequency attached by ClinVar (database versions not stated): gnomAD 0.00004 and 0.00005; ESP Exome Variant Server 0.00008; TOPMed 0.00008; gnomAD exomes 0.00009; ExAC 0.00010; 1000 Genomes Project 0.00040; 1000 Genomes Project 30x 0.00047.
gnomAD v4.1: 39 of 1,584,746 alleles (0.0025%); highest among the groups gnomAD compares: East Asian, 0.039%; no homozygotes.

Submissions (7):

Labcorp Genetics (formerly Invitae), Labcorp
Classification: Likely benign for Long QT syndrome. Last evaluated: 2025-12-16. Review status: criteria provided, single submitter. Criteria: Invitae Variant Classification Sherloc (09022015). Collection method: clinical testing. Allele origin: germline.

Molecular Diagnostic Laboratory for Inherited Cardiovascular Disease, Montreal Heart Institute
Classification: Likely benign. Last evaluated: 2025-04-09. Review status: criteria provided, single submitter. Criteria: ACMG Guidelines, 2015. Collection method: clinical testing. Allele origin: germline. Affected: no.

Color Diagnostics, LLC DBA Color Health
Classification: Likely benign for Cardiac arrhythmia. Last evaluated: 2024-05-13. Review status: criteria provided, single submitter. Criteria: ACMG Guidelines, 2015. Collection method: clinical testing. Allele origin: germline.

Blueprint Genetics
Classification: Likely benign. Last evaluated: 2023-09-18. Review status: criteria provided, single submitter. Criteria: ACMG Guidelines, 2015. Collection method: clinical testing. Allele origin: germline.

Ambry Genetics
Classification: Benign for Cardiovascular phenotype. Last evaluated: 2023-06-15. Review status: criteria provided, single submitter. Criteria: Ambry Variant Classification Scheme 2023. Collection method: clinical testing. Allele origin: germline.

GeneDx
Classification: Likely benign. Last evaluated: 2015-03-12. Review status: criteria provided, single submitter. Criteria: GeneDx Variant Classification (06012015). Collection method: clinical testing. Allele origin: germline. Affected: yes.
Comment: This variant is considered likely benign or benign based on one or more of the following criteria: it is a conservative change, it occurs at a poorly conserved position in the protein, it is predicted to be benign by multiple in silico algorithms, and/or has population frequency not consistent with disease.

Cardiovascular Biomedical Research Unit, Royal Brompton & Harefield NHS Foundation Trust
No classification provided. Review status: no classification provided. Collection method: literature only. Allele origin: germline. Not counted in ClinVar's aggregate classification.
Comment: This variant has been reported in the following publications (PMID:16487223).

Literature cited by the submitters: PubMed 16487223 (cited by Ambry Genetics and Cardiovascular Biomedical Research Unit, Royal Brompton & Harefield NHS Foundation Trust); PubMed 22581653 (cited by Cardiovascular Biomedical Research Unit, Royal Brompton & Harefield NHS Foundation Trust).

NM_000238.4(KCNH2):c.3164G>A (p.Arg1055Gln)

Gene: KCNH2 (potassium voltage-gated channel subfamily H member 2; minus strand). Cytogenetic location: 7q36.1.
Variant type: single nucleotide variant.
Coding change: c.3164G>A on transcript NM_000238.4 (MANE Select); coding-DNA position 3164, G replaced by A.
Protein change: p.Arg1055Gln; replaces arginine 1055 with glutamine.
Molecular consequence: missense variant.
Genome position (GRCh38, 1-based): chr7:150,947,043, C>T on the plus strand (G>A on the coding strand, the complement: KCNH2 is on the minus strand). VCF-style: chr7-150947043-C-T. GRCh37 (hg19) VCF-style: chr7-150644131-C-T.
Other names: p.R1055Q:CGG>CAG; c.3164G>A (LRG_288t1); c.2144G>A, p.Arg715Gln (NM_172057.3); short protein forms R1055Q, R715Q.
Identifiers: ClinVar variation 67475 (VCV000067475.27), dbSNP rs41307270, ClinGen allele CA008062.